The following is an entry in ClinVar:

NM_002087.4(GRN):c.803C>T (p.Thr268Met)

Gene: GRN (granulin precursor; plus strand). Cytogenetic location: 17q21.31.
Variant type: single nucleotide variant.
Coding change: c.803C>T on transcript NM_002087.4 (MANE Select); coding-DNA position 803, C replaced by T.
Protein change: p.Thr268Met; replaces threonine 268 with methionine.
Molecular consequence: missense variant.
Genome position (GRCh38, 1-based): chr17:44,351,131, C>T. VCF-style: chr17-44351131-C-T. GRCh37 (hg19) VCF-style: chr17-42428499-C-T.
Other names: short protein forms T268M.
Identifiers: ClinVar variation 589992 (VCV000589992.16), dbSNP rs202006119, ClinGen allele CA8602016.

ClinVar aggregate classification (germline): Conflicting classifications of pathogenicity. Review status: criteria provided, conflicting classifications (1 of 4 stars). 4 submissions from 4 submitters: Uncertain significance (2); Likely benign (1). 1 of the submissions does not count toward it. Last evaluated 2025-12-17.

Conditions:
GRN-related disorder. Also called: GRN-related condition; GRN-related disorders.
Inborn genetic diseases. Identifiers: MedGen C0950123, MeSH D030342.
GRN-related frontotemporal lobar degeneration with Tdp43 inclusions (FTD2). Also called: GRN Frontotemporal Dementia; DEMENTIA, HEREDITARY DYSPHASIC DISINHIBITION; FRONTOTEMPORAL LOBAR DEGENERATION WITH UBIQUITIN-POSITIVE INCLUSIONS; FTLD-TDP, GRN-RELATED; FRONTOTEMPORAL DEMENTIA WITH TDP43 INCLUSIONS, GRN-RELATED. Identifiers: Orphanet 100070, Orphanet 282, MedGen C1843792, MONDO:0011842, OMIM 607485. Disease mechanism: loss of function.
Neuronal ceroid lipofuscinosis 11. Also called: GRN-Related Neuronal Ceroid-Lipofuscinosis. Identifiers: Orphanet 314629, Orphanet 79262, MedGen C3539123, MONDO:0013866, OMIM 614706.

Allele frequency attached by ClinVar (database versions not stated): gnomAD exomes 0.00001 and 0.00003; ExAC 0.00002; gnomAD 0.00005; TOPMed 0.00007; ESP Exome Variant Server 0.00008; 1000 Genomes Project 30x 0.00016; 1000 Genomes Project 0.00020.

Submissions (4):

Labcorp Genetics (formerly Invitae), Labcorp
Classification: Uncertain significance for Neuronal ceroid lipofuscinosis 11; GRN-related frontotemporal lobar degeneration with Tdp43 inclusions. Last evaluated: 2025-12-17. Review status: criteria provided, single submitter. Criteria: Invitae Variant Classification Sherloc (09022015). Collection method: clinical testing. Allele origin: germline.
Comment: This sequence change replaces threonine, which is neutral and polar, with methionine, which is neutral and non-polar, at codon 268 of the GRN protein (p.Thr268Met). This variant is present in population databases (rs202006119, gnomAD 0.008%). This missense change has been observed in individual(s) with clinical features of Alzheimer's disease and unaffected controls (PMID: 22312439, 30279455). ClinVar contains an entry for this variant (Variation ID: 589992). Invitae Evidence Modeling of protein sequence and biophysical properties (such as structural, functional, and spatial information, amino acid conservation, physicochemical variation, residue mobility, and thermodynamic stability) indicates that this missense variant is not expected to disrupt GRN protein function with a negative predictive value of 80%. In summary, the available evidence is currently insufficient to determine the role of this variant in disease. Therefore, it has been classified as a Variant of Uncertain Significance.

Ambry Genetics
Classification: Likely benign for Inborn genetic diseases. Last evaluated: 2025-09-03. Review status: criteria provided, single submitter. Criteria: Ambry Variant Classification Scheme 2023. Collection method: clinical testing. Allele origin: germline.

Athena Diagnostics
Classification: Uncertain significance. Last evaluated: 2021-07-14. Review status: criteria provided, single submitter. Criteria: Athena Diagnostics Criteria. Collection method: clinical testing. Allele origin: unknown.

PreventionGenetics, part of Exact Sciences
Classification: Uncertain significance for GRN-related condition. Last evaluated: 2024-09-10. Review status: no assertion criteria provided. Collection method: clinical testing. Allele origin: germline. Not counted in ClinVar's aggregate classification.
Comment: The GRN c.803C>T variant is predicted to result in the amino acid substitution p.Thr268Met. This variant has been reported in individuals with Alzheimer disease (Cruchaga et al. 2012. PubMed ID: 22312439; Table S3, Koriath et al. 2020. PubMed ID: 30279455). This variant is reported in 0.0080% of alleles in individuals of African descent in gnomAD. A different missense change impacting the same amino acid (c.802A>C, p.Thr268Pro) has been reported in the compound heterozygous state with another GRN missense variant in an individual with a progressive supranuclear palsy, and in vitro functional studies using HEK293 cells demonstrated that expression of the p.Thr268Pro variant resulted in reduced progranulin secretion (Yang et al. 2021. PubMed ID: 33844830). At this time, the clinical significance of the c.803C>T (p.Thr268Met) variant is uncertain due to the absence of conclusive functional and genetic evidence.

Literature cited by the submitters: PubMed 22312439 (cited by 3 submitters); PubMed 30279455 (cited by Labcorp Genetics (formerly Invitae), Labcorp and Athena Diagnostics).